The following is an entry in ClinVar:

ClinVar aggregate classification (germline): Uncertain significance. Review status: criteria provided, multiple submitters, no conflicts (2 of 4 stars). 3 submissions from 3 submitters: Uncertain significance (3). Last evaluated 2025-10-16.

Conditions:
Inborn genetic diseases. Identifiers: MedGen C0950123, MeSH D030342.

Allele frequency attached by ClinVar (database versions not stated): 1000 Genomes Project 30x 0.00016.
gnomAD v4.1: 40 of 1,613,956 alleles (0.0025%); highest among the groups gnomAD compares: East Asian, 0.031%; no homozygotes.

Submissions (3):

Labcorp Genetics (formerly Invitae), Labcorp
Classification: Uncertain significance. Last evaluated: 2025-10-16. Review status: criteria provided, single submitter. Criteria: Invitae Variant Classification Sherloc (09022015). Collection method: clinical testing. Allele origin: germline.
Comment: This sequence change replaces glycine, which is neutral and non-polar, with arginine, which is basic and polar, at codon 115 of the GNB3 protein (p.Gly115Arg). This variant is present in population databases (rs201963490, gnomAD 0.03%). This variant has not been reported in the literature in individuals affected with GNB3-related conditions. ClinVar contains an entry for this variant (Variation ID: 1525389). Invitae Evidence Modeling of protein sequence and biophysical properties (such as structural, functional, and spatial information, amino acid conservation, physicochemical variation, residue mobility, and thermodynamic stability) indicates that this missense variant is expected to disrupt GNB3 protein function with a positive predictive value of 80%. Algorithms developed to predict the effect of sequence changes on RNA splicing suggest that this variant may create or strengthen a splice site. In summary, the available evidence is currently insufficient to determine the role of this variant in disease. Therefore, it has been classified as a Variant of Uncertain Significance.

Ambry Genetics
Classification: Uncertain significance for Inborn genetic diseases. Last evaluated: 2024-05-07. Review status: criteria provided, single submitter. Criteria: Ambry Variant Classification Scheme 2023. Collection method: clinical testing. Allele origin: germline.

Blueprint Genetics
Classification: Uncertain significance. Last evaluated: 2023-10-05. Review status: criteria provided, single submitter. Criteria: ACMG Guidelines, 2015. Collection method: clinical testing. Allele origin: germline.

NM_002075.4(GNB3):c.343G>C (p.Gly115Arg)

Gene: GNB3 (G protein subunit beta 3; plus strand). Cytogenetic location: 12p13.31.
Variant type: single nucleotide variant.
Coding change: c.343G>C on transcript NM_002075.4 (MANE Select); coding-DNA position 343, G replaced by C.
Protein change: p.Gly115Arg; replaces glycine 115 with arginine.
Molecular consequence: missense variant.
Genome position (GRCh38, 1-based): chr12:6,843,438, G>C. VCF-style: chr12-6843438-G-C. GRCh37 (hg19) VCF-style: chr12-6952602-G-C.
Other names: c.343G>C (NM_002075.2); c.343G>C, p.Gly115Arg (NM_001297571.2); short protein forms G115R.
Identifiers: ClinVar variation 1525389 (VCV001525389.10), dbSNP rs201963490, ClinGen allele CA6417511.